The following is an entry in ClinVar:

ClinVar aggregate classification (germline): Likely benign (1 of 4 stars; one submission).

Submission:

CeGaT Center for Human Genetics Tuebingen
Classification: Likely benign. Last evaluated: 2023-01-01. Review status: criteria provided, single submitter. Criteria: CeGaT Center For Human Genetics Tuebingen Variant Classification Criteria Version 2. Collection method: clinical testing. Allele origin: germline. Affected: yes. Observed: 1 variant allele.
Comment: PTPRG: BS2; PTPRG-AS1: BS2

NM_002841.4(PTPRG):c.3766-12_3766-11insTTTTTTTTTTTTTTTTTTTTTTTTTTTTTTTTTTTTTTTTT

Genes: PTPRG (protein tyrosine phosphatase receptor type G; plus strand), PTPRG-AS1 (PTPRG antisense RNA 1; minus strand). Cytogenetic location: 3p14.2.
Variant type: Insertion.
Coding change: c.3766-12_3766-11insTTTTTTTTTTTTTTTTTTTTTTTTTTTTTTTTTTTTTTTTT on transcript NM_002841.4 (MANE Select); 12 bases into the intron before coding-DNA position 3766 through 11 bases into the intron before coding-DNA position 3766, TTTTTTTTTTTTTTTTTTTTTTTTTTTTTTTTTTTTTTTTT inserted.
Molecular consequence: intron variant.
Genome position: GRCh38: chr3:62,281,551-62,281,552. GRCh37 (hg19): chr3:62,267,226-62,267,227.
Other names: c.3679-12_3679-11insTTTTTTTTTTTTTTTTTTTTTTTTTTTTTTTTTTTTTTTTT (NM_001375471.1).
Identifiers: ClinVar variation 2653933 (VCV002653933.24), dbSNP rs60919586, ClinGen allele CA1048690210.